The following is an entry in ClinVar:

ClinVar aggregate classification (germline): Benign/Likely benign. Review status: criteria provided, multiple submitters, no conflicts (2 of 4 stars). 5 submissions from 5 submitters: Benign (1); Likely benign (4). Last evaluated 2026-05-19.

Conditions:
Neurofibromatosis, type 1 (NF1). Also called: Neurofibromatosis, type I; NEUROFIBROMATOSIS, TYPE I, SOMATIC; Peripheral type neurofibromatosis; VON RECKLINGHAUSEN DISEASE. Identifiers: Orphanet 636, MedGen C0027831, MONDO:0018975, OMIM 162200. Disease mechanism: loss of function.
Hereditary cancer-predisposing syndrome. Also called: Hereditary neoplastic syndrome; Neoplastic Syndromes, Hereditary; Hereditary Cancer Syndrome; Tumor predisposition. Identifiers: Orphanet 140162, MedGen C0027672, MeSH D009386, MONDO:0015356.
Cardiovascular phenotype. Identifiers: MedGen CN230736.

Allele frequency attached by ClinVar (database versions not stated): gnomAD exomes below 0.00001.
gnomAD v4.1: 1 of 1,613,004 alleles (0.000062%); highest among the groups gnomAD compares: Admixed American, 0.0017%; no homozygotes.

Submissions (5):

Myriad Genetics, Inc.
Classification: Benign for Neurofibromatosis, type 1. Last evaluated: 2026-05-19. Review status: criteria provided, single submitter. Criteria: Myriad Autosomal Dominant, Autosomal Recessive and X-Linked Classification Criteria (2023). Collection method: clinical testing. Allele origin: unknown.
Comment: This variant is considered benign. This variant is a silent/synonymous amino acid change and it is not expected to impact splicing.

CeGaT Center for Human Genetics Tuebingen
Classification: Likely benign. Last evaluated: 2025-08-01. Review status: criteria provided, single submitter. Criteria: CeGaT Center For Human Genetics Tuebingen Variant Classification Criteria Version 2. Collection method: clinical testing. Allele origin: germline. Affected: yes. Observed: 1 variant allele.
Comment: NF1: BP4, BP7

Genome-Nilou Lab
Classification: Likely benign for Neurofibromatosis, type 1. Last evaluated: 2022-03-15. Review status: criteria provided, single submitter. Criteria: ACMG Guidelines, 2015. Collection method: clinical testing. Allele origin: germline. Affected: no.

Labcorp Genetics (formerly Invitae), Labcorp
Classification: Likely benign for Neurofibromatosis, type 1. Last evaluated: 2021-04-29. Review status: criteria provided, single submitter. Criteria: Invitae Variant Classification Sherloc (09022015). Collection method: clinical testing. Allele origin: germline.

Ambry Genetics
Classification: Likely benign for Cardiovascular phenotype; Hereditary cancer-predisposing syndrome. Last evaluated: 2017-01-24. Review status: criteria provided, single submitter. Criteria: Ambry Variant Classification Scheme 2023. Collection method: clinical testing. Allele origin: germline.

NM_001042492.3(NF1):c.4704G>A (p.Lys1568=)

Gene: NF1 (neurofibromin 1; plus strand). Cytogenetic location: 17q11.2.
Variant type: single nucleotide variant.
Coding change: c.4704G>A on transcript NM_001042492.3 (MANE Select); coding-DNA position 4704, G replaced by A.
Protein change: p.Lys1568=; no amino-acid change (lysine 1568 retained).
Molecular consequence: synonymous variant.
Genome position (GRCh38, 1-based): chr17:31,261,837, G>A. VCF-style: chr17-31261837-G-A. GRCh37 (hg19) VCF-style: chr17-29588855-G-A.
Other names: c.4641G>A, p.Lys1547= (NM_000267.4).
Identifiers: ClinVar variation 457712 (VCV000457712.19), dbSNP rs1424931932, ClinGen allele CA499233949.